The following is an entry in ClinVar:

NM_024529.5(CDC73):c.370+3A>G

Gene: CDC73 (cell division cycle 73; plus strand). Cytogenetic location: 1q31.2.
Variant type: single nucleotide variant.
Coding change: c.370+3A>G on transcript NM_024529.5 (MANE Select); 3 bases into the intron after coding-DNA position 370, A replaced by G.
Molecular consequence: intron variant.
Genome position (GRCh38, 1-based): chr1:193,135,456, A>G. VCF-style: chr1-193135456-A-G. GRCh37 (hg19) VCF-style: chr1-193104586-A-G.
Other names: c.370+3A>G (NM_024529.4).
Identifiers: ClinVar variation 1956278 (VCV001956278.6), dbSNP rs960410437, ClinGen allele CA34369337.

ClinVar aggregate classification (germline): Uncertain significance. Review status: criteria provided, multiple submitters, no conflicts (2 of 4 stars). 2 submissions from 2 submitters: Uncertain significance (2). Last evaluated 2025-01-21.

Conditions:
Hereditary cancer-predisposing syndrome. Also called: Hereditary Cancer Syndrome; Hereditary neoplastic syndrome; Tumor predisposition; Neoplastic Syndromes, Hereditary. Identifiers: Orphanet 140162, MedGen C0027672, MeSH D009386, MONDO:0015356.
Parathyroid carcinoma (PRTC). Also called: CDC73-Related Parathyroid Carcinoma; Parathyroid gland carcinoma. Identifiers: Orphanet 143, MedGen C0687150, MONDO:0012004, OMIM 608266, HP:0006780.

Allele frequency attached by ClinVar (database versions not stated): gnomAD 0.00001; TOPMed 0.00001.
gnomAD v4.1: 1 of 1,612,428 alleles (0.000062%); highest among the groups gnomAD compares: African/African-American, 0.0013%; no homozygotes.

Submissions (2):

Ambry Genetics
Classification: Uncertain significance for Hereditary cancer-predisposing syndrome. Last evaluated: 2025-01-21. Review status: criteria provided, single submitter. Criteria: Ambry Variant Classification Scheme 2023. Collection method: clinical testing. Allele origin: germline.
Comment: The c.370+3A>G intronic variant results from an A to G substitution 3 nucleotides after coding exon 4 in the CDC73 gene. This nucleotide position is well conserved in available vertebrate species. In silico splice site analysis predicts that this alteration will not have any significant effect on splicing. Based on the available evidence, the clinical significance of this variant remains unclear.

Labcorp Genetics (formerly Invitae), Labcorp
Classification: Uncertain significance for Parathyroid carcinoma. Last evaluated: 2024-05-06. Review status: criteria provided, single submitter. Criteria: Invitae Variant Classification Sherloc (09022015). Collection method: clinical testing. Allele origin: germline.
Comment: This sequence change falls in intron 4 of the CDC73 gene. It does not directly change the encoded amino acid sequence of the CDC73 protein. It affects a nucleotide within the consensus splice site. This variant is not present in population databases (gnomAD no frequency). This variant has not been reported in the literature in individuals affected with CDC73-related conditions. ClinVar contains an entry for this variant (Variation ID: 1956278). Variants that disrupt the consensus splice site are a relatively common cause of aberrant splicing (PMID: 17576681, 9536098). Algorithms developed to predict the effect of sequence changes on RNA splicing suggest that this variant may disrupt the consensus splice site. In summary, the available evidence is currently insufficient to determine the role of this variant in disease. Therefore, it has been classified as a Variant of Uncertain Significance.

Literature cited by the submitters: PubMed 17576681 (cited by Labcorp Genetics (formerly Invitae), Labcorp); PubMed 9536098 (cited by Labcorp Genetics (formerly Invitae), Labcorp).